The following is an entry in ClinVar:

NM_001127222.2(CACNA1A):c.3925C>T (p.Arg1309Cys)

Genes: CACNA1A (calcium voltage-gated channel subunit alpha1 A; minus strand), LOC126862865 (CDK7 strongly-dependent group 2 enhancer GRCh37_chr19:13385818-13387017; plus strand). Cytogenetic location: 19p13.13.
Variant type: single nucleotide variant.
Coding change: c.3925C>T on transcript NM_001127222.2 (MANE Select); coding-DNA position 3925, C replaced by T.
Protein change: p.Arg1309Cys; replaces arginine 1309 with cysteine.
Molecular consequence: missense variant.
Genome position (GRCh38, 1-based): chr19:13,275,914, G>A on the plus strand (C>T on the coding strand, the complement: CACNA1A is on the minus strand). VCF-style: chr19-13275914-G-A. GRCh37 (hg19) VCF-style: chr19-13386728-G-A.
Other names: c.3937C>T, p.Arg1313Cys (NM_000068.4, NM_023035.3); c.3928C>T, p.Arg1310Cys (NM_001127221.2, NM_001174080.2); short protein forms R1309C, R1310C, R1313C.
Identifiers: ClinVar variation 1313888 (VCV001313888.5), dbSNP rs2144833419, ClinGen allele CA404340269.
Genomic context (GRCh38, chr19:13,275,914, plus strand): 5'-AGGCAAAGGCTACCAGGGCCCCACTGACCACTATGAAGTCGAGAATATTCCAGAGGTCAC[G>A]GAAGTAGGCACCCTGATGCAGGACGAGCCCCAGGTCAATCATCTGTGGGGGAGAAGAGAG-3'
Protein context (NP_001120694.1, residues 1299-1319): GLVLHQGAYF[Arg1309Cys]DLWNILDFIV

ClinVar aggregate classification (germline): Uncertain significance. Review status: criteria provided, multiple submitters, no conflicts (2 of 4 stars). 2 submissions from 2 submitters: Uncertain significance (2). Last evaluated 2025-03-06.

Submissions (2):

GeneDx
Classification: Uncertain significance. Last evaluated: 2025-03-06. Review status: criteria provided, single submitter. Criteria: GeneDx Variant Classification Process June 2021. Collection method: clinical testing. Allele origin: germline. Affected: yes.
Comment: Not observed at significant frequency in large population cohorts (gnomAD); In silico analysis supports that this missense variant has a deleterious effect on protein structure/function; Has not been previously published as pathogenic or benign to our knowledge

Blueprint Genetics
Classification: Uncertain significance. Last evaluated: 2024-11-27. Review status: criteria provided, single submitter. Criteria: ACMG Guidelines, 2015. Collection method: clinical testing. Allele origin: germline.